The following is an entry in ClinVar:

NM_181426.2(CCDC39):c.949dup (p.Thr317fs)

Gene: CCDC39 (coiled-coil domain 39 molecular ruler complex subunit; minus strand). Cytogenetic location: 3q26.33.
Variant type: Duplication.
Coding change: c.949dup on transcript NM_181426.2 (MANE Select); coding-DNA position 949, one base duplicated (A; older notation c.949dupA).
Protein change: p.Thr317fs; shifts the reading frame from threonine 317.
Molecular consequence: frameshift variant.
Genome position (GRCh38, 1-based): chr3:180,652,248, T duplicated on the plus strand (A on the coding strand, the reverse complement: CCDC39 is on the minus strand). VCF-style (leftmost placement, unchanged base first): chr3-180652247-G-GT. GRCh37 (hg19) VCF-style: chr3-180370035-G-GT.
Other names: short protein forms T317fs.
Identifiers: ClinVar variation 2166862 (VCV002166862.4), dbSNP rs2526286396, ClinGen allele CA913102437.

ClinVar aggregate classification (germline): Pathogenic (1 of 4 stars; one submission).

Conditions:
Primary ciliary dyskinesia. Also called: Ciliary dyskinesia. Identifiers: Orphanet 244, MedGen C0008780, MONDO:0016575, HP:0012265.

Allele frequency attached by ClinVar (database versions not stated): gnomAD exomes below 0.00001.

Submission:

Labcorp Genetics (formerly Invitae), Labcorp
Classification: Pathogenic for Primary ciliary dyskinesia. Last evaluated: 2022-04-29. Review status: criteria provided, single submitter. Criteria: Invitae Variant Classification Sherloc (09022015). Collection method: clinical testing. Allele origin: germline.
Comment: For these reasons, this variant has been classified as Pathogenic. This variant has not been reported in the literature in individuals affected with CCDC39-related conditions. This variant is not present in population databases (gnomAD no frequency). This sequence change creates a premature translational stop signal (p.Thr317Asnfs*4) in the CCDC39 gene. It is expected to result in an absent or disrupted protein product. Loss-of-function variants in CCDC39 are known to be pathogenic (PMID: 21131972, 23255504).

Literature cited by the submitters: PubMed 21131972; PubMed 23255504.